The following is an entry in ClinVar:

ClinVar aggregate classification (germline): Uncertain significance (1 of 4 stars; one submission).

Submission:

Labcorp Genetics (formerly Invitae), Labcorp
Classification: Uncertain significance. Last evaluated: 2024-12-05. Review status: criteria provided, single submitter. Criteria: Invitae Variant Classification Sherloc (09022015). Collection method: clinical testing. Allele origin: germline.
Comment: This sequence change replaces histidine, which is basic and polar, with leucine, which is neutral and non-polar, at codon 1226 of the FN1 protein (p.His1226Leu). This variant is not present in population databases (gnomAD no frequency). This variant has not been reported in the literature in individuals affected with FN1-related conditions. An algorithm developed to predict the effect of missense changes on protein structure and function (PolyPhen-2) suggests that this variant is likely to be tolerated. In summary, the available evidence is currently insufficient to determine the role of this variant in disease. Therefore, it has been classified as a Variant of Uncertain Significance.

NM_212482.4(FN1):c.3677A>T (p.His1226Leu)

Gene: FN1 (fibronectin 1; minus strand). Cytogenetic location: 2q35.
Variant type: single nucleotide variant.
Coding change: c.3677A>T on transcript NM_212482.4 (MANE Select); coding-DNA position 3677, A replaced by T.
Protein change: p.His1226Leu; replaces histidine 1226 with leucine.
Molecular consequence: missense variant.
Genome position (GRCh38, 1-based): chr2:215,394,647, T>A on the plus strand (A>T on the coding strand, the complement: FN1 is on the minus strand). VCF-style: chr2-215394647-T-A. GRCh37 (hg19) VCF-style: chr2-216259370-T-A.
Other names: c.3677A>T, p.His1226Leu (NM_001365524.2, NM_002026.4, NM_212474.3 and 13 more transcripts); short protein forms H1226L.
Identifiers: ClinVar variation 3721815 (VCV003721815.2).